The following is an entry in ClinVar:

NM_004655.4(AXIN2):c.293_294delinsAA (p.Phe98Ter)

Gene: AXIN2 (axin 2; minus strand). Cytogenetic location: 17q24.1.
Variant type: Indel.
Coding change: c.293_294delinsAA on transcript NM_004655.4 (MANE Select); coding-DNA positions 293 to 294, TC replaced by AA.
Protein change: p.Phe98Ter; replaces phenylalanine 98 with a stop codon.
Molecular consequence: nonsense.
Genome position (GRCh38, 1-based): chr17:65,558,327-65,558,328, GA replaced by TT on the plus strand (TC replaced by AA on the coding strand, the reverse complement: AXIN2 is on the minus strand). VCF-style: chr17-65558327-GA-TT. GRCh37 (hg19) VCF-style: chr17-63554445-GA-TT.
Other names: c.293_294delinsAA, p.Phe98Ter (NM_001363813.1); c.293_294delTCinsAA, p.Phe98Ter (NM_004655.3); short protein forms F98*.
Identifiers: ClinVar variation 2577562 (VCV002577562.1), dbSNP rs2544252693, ClinGen allele CA2580617473.

ClinVar aggregate classification (germline): Uncertain significance (1 of 4 stars; one submission).

Submission:

GeneDx
Classification: Uncertain significance. Last evaluated: 2023-02-24. Review status: criteria provided, single submitter. Criteria: GeneDx Variant Classification Process June 2021. Collection method: clinical testing. Allele origin: germline. Affected: yes.
Comment: Not observed at significant frequency in large population cohorts (gnomAD); Nonsense variant predicted to result in protein truncation or nonsense mediated decay in a gene or region of a gene for which loss of function is not a well-established mechanism of disease; Has not been previously published as pathogenic or benign to our knowledge